The following is an entry in ClinVar:

NM_003070.5(SMARCA2):c.669GCA[11] (p.Gln237_Gln238del)

Gene: SMARCA2 (SWI/SNF related BAF chromatin remodeling complex subunit ATPase 2; plus strand). Cytogenetic location: 9p24.3.
Variant type: Microsatellite.
Coding change: c.669GCA[11] on transcript NM_003070.5 (MANE Select); 11 copies in a row of the 3-base unit GCA starting at c.669; the reference has 13 copies in a row; two copies, 6 bases deleted; also written c.702_707del.
Protein change: p.Gln237_Gln238del.
Molecular consequence: inframe deletion. On other transcripts: inframe indel (1).
Genome position (GRCh38, 1-based): chr9:2,039,812-2,039,817, GCAGCA deleted; deleting any 6 consecutive bases within chr9:2,039,777-2,039,817 gives the same sequence; the position shown is the placement nearest the transcript's 3' end. VCF-style (leftmost placement, unchanged base first): chr9-2039776-ACAGCAG-A. GRCh37 (hg19) VCF-style: chr9-2039776-ACAGCAG-A.
Other names: p.Gln237_Gln238del; c.702_707del (NM_003070.5); c.669_671GCA[11], p.Gln237_Gln238del (NM_001289396.2); c.669GCA[11], p.Gln237_Gln238del (NM_001289397.2, NM_139045.4).
Identifiers: ClinVar variation 587879 (VCV000587879.30), dbSNP rs113070757, ClinGen allele CA4962912.

ClinVar aggregate classification (germline): Benign/Likely benign. Review status: criteria provided, multiple submitters, no conflicts (2 of 4 stars). 5 submissions from 5 submitters: Benign (2); Likely benign (3). Last evaluated 2026-05-01.

Conditions:
Inborn genetic diseases. Identifiers: MedGen C0950123, MeSH D030342.

Submissions (5):

CeGaT Center for Human Genetics Tuebingen
Classification: Likely benign. Last evaluated: 2026-05-01. Review status: criteria provided, single submitter. Criteria: CeGaT Center For Human Genetics Tuebingen Variant Classification Criteria Version 2. Collection method: clinical testing. Allele origin: germline. Affected: yes. Observed: 2 variant alleles.
Comment: SMARCA2: BS1

Blueprint Genetics
Classification: Likely benign. Last evaluated: 2024-11-26. Review status: criteria provided, single submitter. Criteria: ACMG Guidelines, 2015. Collection method: clinical testing. Allele origin: germline.

Mayo Clinic Laboratories, Mayo Clinic
Classification: Benign. Last evaluated: 2024-11-22. Review status: criteria provided, single submitter. Criteria: ACMG Guidelines, 2015. Collection method: clinical testing. Allele origin: germline. Observed: 2 variant alleles.
Comment: BS1, BS2, BP3

Mendelics
Classification: Benign. Last evaluated: 2022-05-04. Review status: criteria provided, single submitter. Criteria: Mendelics Assertion Criteria 2019. Collection method: clinical testing. Allele origin: germline.

Ambry Genetics
Classification: Likely benign for Inborn genetic diseases. Last evaluated: 2018-04-04. Review status: criteria provided, single submitter. Criteria: Ambry General Variant Classification Scheme_2022. Collection method: clinical testing. Allele origin: germline. Observed: 1 variant allele.